The following is an entry in ClinVar:

ClinVar aggregate classification (germline): Uncertain significance (1 of 4 stars; one submission).

Conditions:
Inborn genetic diseases. Identifiers: MedGen C0950123, MeSH D030342.

Submission:

Ambry Genetics
Classification: Uncertain significance for Inborn genetic diseases. Last evaluated: 2022-03-07. Review status: criteria provided, single submitter. Criteria: Ambry Variant Classification Scheme 2023. Collection method: clinical testing. Allele origin: germline.
Comment: The p.C1123S variant (also known as c.3367T>A), located in coding exon 25 of the LRRK2 gene, results from a T to A substitution at nucleotide position 3367. The cysteine at codon 1123 is replaced by serine, an amino acid with dissimilar properties. This amino acid position is conserved. In addition, this alteration is predicted to be tolerated by in silico analysis. Since supporting evidence is limited at this time, the clinical significance of this alteration remains unclear.

NM_198578.4(LRRK2):c.3367T>A (p.Cys1123Ser)

Gene: LRRK2 (leucine rich repeat kinase 2; plus strand). Cytogenetic location: 12q12.
Variant type: single nucleotide variant.
Coding change: c.3367T>A on transcript NM_198578.4 (MANE Select); coding-DNA position 3367, T replaced by A.
Protein change: p.Cys1123Ser; replaces cysteine 1123 with serine.
Molecular consequence: missense variant.
Genome position (GRCh38, 1-based): chr12:40,299,128, T>A. VCF-style: chr12-40299128-T-A. GRCh37 (hg19) VCF-style: chr12-40692930-T-A.
Other names: short protein forms C1123S.
Identifiers: ClinVar variation 1730671 (VCV001730671.2), dbSNP rs2499756298, ClinGen allele CA384415506.